The following is an entry in ClinVar:

ClinVar aggregate classification (germline): Likely pathogenic (1 of 4 stars; one submission).

Conditions:
Muscle AMP deaminase deficiency (MMDD). Also called: ADENOSINE MONOPHOSPHATE DEAMINASE-1 DEFICIENCY, MYOPATHY DUE TO; AMPD1 DEFICIENCY; Myoadenylate deaminase deficiency, myopathy due to; Adenosine monophosphate deaminase 1 deficiency; AMP deaminase 1 deficiency; Adenosine Monophosphate Deaminase 1. Identifiers: Orphanet 45, MedGen C3714933, MONDO:0014220, OMIM 615511.

gnomAD v4.1: 1 of 1,613,680 alleles (0.000062%); highest among the groups gnomAD compares: African/African-American, 0.0013%; no homozygotes.

Submission:

First Genomix Gene Laboratory, Genetic Diagnostics Department
Classification: Likely pathogenic for Muscle AMP deaminase deficiency. Last evaluated: 2025-07-29. Review status: criteria provided, single submitter. Criteria: ACMG Guidelines, 2015. Collection method: clinical testing. Allele origin: germline. Inheritance: Autosomal recessive inheritance. Affected: no. Observed: 1 variant allele.

NM_000036.3(AMPD1):c.1818C>G (p.Tyr606Ter)

Gene: AMPD1 (adenosine monophosphate deaminase 1; minus strand). Cytogenetic location: 1p13.2.
Variant type: single nucleotide variant.
Coding change: c.1818C>G on transcript NM_000036.3 (MANE Select); coding-DNA position 1818, C replaced by G.
Protein change: p.Tyr606Ter; replaces tyrosine 606 with a stop codon.
Molecular consequence: nonsense.
Genome position (GRCh38, 1-based): chr1:114,674,065, G>C on the plus strand (C>G on the coding strand, the complement: AMPD1 is on the minus strand). VCF-style: chr1-114674065-G-C. GRCh37 (hg19) VCF-style: chr1-115216686-G-C.
Other names: c.1806C>G, p.Tyr602Ter (NM_001172626.2); short protein forms Y602*, Y606*.
Identifiers: ClinVar variation 4850643 (VCV004850643.1).